The following is an entry in ClinVar:

ClinVar aggregate classification (germline): Pathogenic. Review status: criteria provided, multiple submitters, no conflicts (2 of 4 stars). 2 submissions from 2 submitters: Pathogenic (2). Last evaluated 2024-08-13.

Conditions:
Alagille syndrome due to a JAG1 point mutation. Also called: HEPATIC DUCTULAR HYPOPLASIA, SYNDROMATIC; JAG1-Related Alagille Syndrome; Alagille Syndrome 1. Identifiers: Orphanet 261619, Orphanet 52, MedGen C1956125, MONDO:0016862, OMIM 118450.

Submissions (2):

3billion
Classification: Pathogenic for Alagille syndrome due to a JAG1 point mutation. Last evaluated: 2024-08-13. Review status: criteria provided, single submitter. Criteria: ACMG Guidelines, 2015. Collection method: clinical testing. Allele origin: germline. Affected: yes.
Comment: The variant is not observed in the gnomAD v4.0.0 dataset. Predicted Consequence/Location: Stop-gained (nonsense): predicted to result in a loss or disruption of normal protein function through nonsense-mediated decay (NMD) or protein truncation. Multiple pathogenic variants are reported downstream of the variant. The variant has been reported to be associated with JAG1-related disorder (ClinVar ID: VCV001074592 /PMID: 25676721). Therefore, this variant is classified as Pathogenic according to the recommendation of ACMG/AMP guideline.

Labcorp Genetics (formerly Invitae), Labcorp
Classification: Pathogenic for Alagille syndrome due to a JAG1 point mutation. Last evaluated: 2022-06-07. Review status: criteria provided, single submitter. Criteria: Invitae Variant Classification Sherloc (09022015). Collection method: clinical testing. Allele origin: germline.
Comment: This sequence change creates a premature translational stop signal (p.Cys436*) in the JAG1 gene. It is expected to result in an absent or disrupted protein product. Loss-of-function variants in JAG1 are known to be pathogenic (PMID: 11180599). This variant is not present in population databases (gnomAD no frequency). This premature translational stop signal has been observed in individual(s) with Alagille syndrome (PMID: 25676721). ClinVar contains an entry for this variant (Variation ID: 1074592). For these reasons, this variant has been classified as Pathogenic.

Literature cited by the submitters: PubMed 25676721 (cited by 3billion and Labcorp Genetics (formerly Invitae), Labcorp); PubMed 11180599 (cited by Labcorp Genetics (formerly Invitae), Labcorp).

NM_000214.3(JAG1):c.1308C>A (p.Cys436Ter)

Gene: JAG1 (jagged canonical Notch ligand 1; minus strand). Cytogenetic location: 20p12.2.
Variant type: single nucleotide variant.
Coding change: c.1308C>A on transcript NM_000214.3 (MANE Select); coding-DNA position 1308, C replaced by A.
Protein change: p.Cys436Ter; replaces cysteine 436 with a stop codon.
Molecular consequence: nonsense.
Genome position (GRCh38, 1-based): chr20:10,649,562, G>T on the plus strand (C>A on the coding strand, the complement: JAG1 is on the minus strand). VCF-style: chr20-10649562-G-T. GRCh37 (hg19) VCF-style: chr20-10630210-G-T.
Other names: short protein forms C436*.
Identifiers: ClinVar variation 1074592 (VCV001074592.10), dbSNP rs764485729, ClinGen allele CA408238176.
Genomic context (GRCh38, chr20:10,649,562, plus strand): 5'-ATGGAAACAAAGTCACTCACTTATGTCACAATTCTGACCCATCCAGCCGGGAAGACAGTC[G>T]CAGTAGTAGCTGGCAATGAGATTCTTACAGGATTTGGCGTTTACACAAGGTTTGGCCTCA-3'